The following is an entry in ClinVar:

ClinVar aggregate classification (germline): Uncertain significance. Review status: criteria provided, multiple submitters, no conflicts (2 of 4 stars). 3 submissions from 3 submitters: Uncertain significance (3). Last evaluated 2025-07-21.

Conditions:
Lynch syndrome. Identifiers: Orphanet 144, MedGen C4552100, MONDO:0005835. Disease mechanism: loss of function.
Hereditary cancer-predisposing syndrome. Also called: Tumor predisposition; Hereditary Cancer Syndrome; Neoplastic Syndromes, Hereditary; Hereditary neoplastic syndrome. Identifiers: Orphanet 140162, MedGen C0027672, MeSH D009386, MONDO:0015356.
Hereditary nonpolyposis colorectal neoplasms. Identifiers: MedGen C0009405, MeSH D003123.

Submissions (3):

Hema, HEMA – Genetic and Molecular Diagnostic Laboratory
Classification: Uncertain significance for Lynch syndrome. Last evaluated: 2025-07-21. Review status: criteria provided, single submitter. Criteria: HEMA Variant Classification Assertion Criteria. Collection method: clinical testing. Allele origin: germline.
Comment: The c.2951A>T variant is a transversion from adenine to thymine, resulting in the substitution of asparagine 984 by isoleucine in the MSH6 protein. PM2_Supporting: Absent in the gnomAD v4.1.0 database. BP4: Prior probability of pathogenicity score MAPP/PP2 = 0.0154 < 0.11.

Molecular Diagnostics Laboratory, Catalan Institute of Oncology
Classification: Uncertain significance for Hereditary cancer-predisposing syndrome. Last evaluated: 2024-09-02. Review status: criteria provided, single submitter. Criteria: MMR VCEP Paper Draft V3.1. Collection method: clinical testing. Allele origin: germline.
Comment: PM2_Supporting, BP4 c.2951A>T located in exon 4 of the MSH6 gene, is predicted to result in the substitution of asparagine by isoleucine at codon 984, p.(Asn984Ile).It is not present in the population database gnomAD v2.1.1, non-cancer dataset (PM2_Supporting). Computational tools for this variant suggests no significant impact on splicing and does not affect the protein function (MAPP+PolyPhen-2 prior probability for pathogenicity: 0.0154)(BP4). To our knowledge, neither relevant clinical data nor functional studies have been reported for this variant. In addition, the variant has been reported in the ClinVar database (1x uncertain significance) but it has not been identified neither LOVD nor InSiGHT databases. Based on currently available information, the variant c.2951A>T is considered an uncertain significance variant according to ACMG guidelines.

Labcorp Genetics (formerly Invitae), Labcorp
Classification: Uncertain significance for Hereditary nonpolyposis colorectal neoplasms. Last evaluated: 2019-03-02. Review status: criteria provided, single submitter. Criteria: Invitae Variant Classification Sherloc (09022015). Collection method: clinical testing. Allele origin: germline.
Comment: This variant is not present in population databases (ExAC no frequency). In summary, the available evidence is currently insufficient to determine the role of this variant in disease. Therefore, it has been classified as a Variant of Uncertain Significance. Algorithms developed to predict the effect of missense changes on protein structure and function are either unavailable or do not agree on the potential impact of this missense change (SIFT: "Deleterious"; PolyPhen-2: "Possibly Damaging"; Align-GVGD: "Class C0"). This variant has not been reported in the literature in individuals with MSH6-related conditions. This sequence change replaces asparagine with isoleucine at codon 984 of the MSH6 protein (p.Asn984Ile). The asparagine residue is weakly conserved and there is a large physicochemical difference between asparagine and isoleucine.

NM_000179.3(MSH6):c.2951A>T (p.Asn984Ile)

Gene: MSH6 (mutS homolog 6; plus strand). Cytogenetic location: 2p16.3.
Variant type: single nucleotide variant.
Coding change: c.2951A>T on transcript NM_000179.3 (MANE Select); coding-DNA position 2951, A replaced by T.
Protein change: p.Asn984Ile; replaces asparagine 984 with isoleucine.
Molecular consequence: missense variant.
Genome position (GRCh38, 1-based): chr2:47,800,934, A>T. VCF-style: chr2-47800934-A-T. GRCh37 (hg19) VCF-style: chr2-48028073-A-T.
Other names: c.2561A>T, p.Asn854Ile (NM_001281492.2); c.2045A>T, p.Asn682Ile (NM_001281493.2, NM_001281494.2); short protein forms N854I, N984I, N682I.
Identifiers: ClinVar variation 859063 (VCV000859063.12), dbSNP rs587779927, ClinGen allele CA346756241.